The following is an entry in ClinVar:

ClinVar aggregate classification (germline): Uncertain significance (1 of 4 stars; one submission).

Conditions:
Peroxisome biogenesis disorder 7A (Zellweger). Also called: Peroxisome biogenesis disorder 7A. Identifiers: Orphanet 912, MedGen C3888385, MONDO:0013938, OMIM 614872.
Peroxisome biogenesis disorder 7B (PBD7B). Identifiers: Orphanet 44, MedGen C3553951, MONDO:0013939, OMIM 614873.

Allele frequency attached by ClinVar (database versions not stated): gnomAD exomes below 0.00001; ExAC 0.00001.
gnomAD v4.1: 3 of 1,614,114 alleles (0.00019%); highest among the groups gnomAD compares: South Asian, 0.0022%; no homozygotes.

Submission:

Labcorp Genetics (formerly Invitae), Labcorp
Classification: Uncertain significance for Peroxisome biogenesis disorder 7A (Zellweger); Peroxisome biogenesis disorder 7B. Last evaluated: 2022-10-17. Review status: criteria provided, single submitter. Criteria: Invitae Variant Classification Sherloc (09022015). Collection method: clinical testing. Allele origin: germline.
Comment: This sequence change replaces lysine, which is basic and polar, with threonine, which is neutral and polar, at codon 207 of the PEX26 protein (p.Lys207Thr). This variant is present in population databases (rs748427404, gnomAD 0.006%). In summary, the available evidence is currently insufficient to determine the role of this variant in disease. Therefore, it has been classified as a Variant of Uncertain Significance. Advanced modeling of protein sequence and biophysical properties (such as structural, functional, and spatial information, amino acid conservation, physicochemical variation, residue mobility, and thermodynamic stability) performed at Invitae indicates that this missense variant is not expected to disrupt PEX26 protein function. This variant has not been reported in the literature in individuals affected with PEX26-related conditions.

NM_001127649.3(PEX26):c.620A>C (p.Lys207Thr)

Gene: PEX26 (peroxisomal biogenesis factor 26; plus strand). Cytogenetic location: 22q11.21.
Variant type: single nucleotide variant.
Coding change: c.620A>C on transcript NM_001127649.3 (MANE Select); coding-DNA position 620, A replaced by C.
Protein change: p.Lys207Thr; replaces lysine 207 with threonine.
Molecular consequence: missense variant.
Genome position (GRCh38, 1-based): chr22:18,083,685, A>C. VCF-style: chr22-18083685-A-C. GRCh37 (hg19) VCF-style: chr22-18566451-A-C.
Other names: c.620A>C, p.Lys207Thr (NM_001199319.2, NM_017929.6); short protein forms K207T.
Identifiers: ClinVar variation 2110779 (VCV002110779.4), dbSNP rs748427404, ClinGen allele CA10093362.